The following is an entry in ClinVar:

ClinVar aggregate classification (germline): Benign. Review status: reviewed by expert panel (3 of 4 stars). 16 submissions from 16 submitters: Benign (1). 15 of the submissions do not count toward it. Last evaluated 2023-08-10.

Conditions:
CDH1-related diffuse gastric and lobular breast cancer syndrome. Also called: CDH1-related diffuse gastric and lobular breast cancer. Identifiers: MedGen CN311521, MONDO:0100488.
Hereditary cancer-predisposing syndrome. Also called: Tumor predisposition; Hereditary Cancer Syndrome; Neoplastic Syndromes, Hereditary; Hereditary neoplastic syndrome. Identifiers: Orphanet 140162, MedGen C0027672, MeSH D009386, MONDO:0015356.
Hereditary diffuse gastric adenocarcinoma (HDGC). Also called: DIFFUSE GASTRIC AND LOBULAR BREAST CANCER SYNDROME. Identifiers: Orphanet 26106, MedGen C1708349, MONDO:0007648, OMIM 137215.

Allele frequency attached by ClinVar (database versions not stated): ESP Exome Variant Server 0.00008; TOPMed 0.00009; gnomAD 0.00011 and 0.00012; ExAC 0.00019.
gnomAD v4.1: 146 of 1,613,918 alleles (0.009%); highest among the groups gnomAD compares: South Asian, 0.096%; 1 homozygote.

Submissions (16):

Clingen Gastric Cancer Variant Curation Expert Panel
Classification: Benign for CDH1-related diffuse gastric and lobular breast cancer syndrome. Last evaluated: 2023-08-10. Review status: reviewed by expert panel. Criteria: ClinGen CDH1 ACMG Specifications V3.1. Collection method: curation. Allele origin: germline. Inheritance: Autosomal dominant inheritance.
Comment: The c.1223C>T (p.Ala408Val) missense variant has a frequency of 0.114% (>0.1%) in South Asians (35 of 30616 alleles) in the gnomAD v2.1.1 cohort (BS1). This variant has been observed in at least 10 (122) individuals without DGC, SRC tumours or LBC and whose families do not suggest HDGC (BS2; SCV000260430.7, SCV000186167.6). In summary, the clinical significance of this variant is classified as of benign based the ACMG/AMP criteria applied, as specified by the CDH1 Variant Curation Expert Panel (Variant Interpretation Guidelines Version 3.1): BS1, BS2.

Labcorp Genetics (formerly Invitae), Labcorp
Classification: Likely benign for Hereditary diffuse gastric adenocarcinoma. Last evaluated: 2025-12-28. Review status: criteria provided, single submitter. Criteria: Invitae Variant Classification Sherloc (09022015). Collection method: clinical testing. Allele origin: germline. Not counted in ClinVar's aggregate classification.

Center for Genomic Medicine, Rigshospitalet, Copenhagen University Hospital
Classification: Benign. Last evaluated: 2025-03-04. Review status: criteria provided, single submitter. Criteria: ACMG Guidelines, 2015. Collection method: clinical testing. Allele origin: germline. Not counted in ClinVar's aggregate classification.

Mendelics
Classification: Benign for Hereditary diffuse gastric adenocarcinoma. Last evaluated: 2023-08-22. Review status: criteria provided, single submitter. Criteria: Mendelics Assertion Criteria 2019. Collection method: clinical testing. Allele origin: germline. Not counted in ClinVar's aggregate classification.

Quest Diagnostics Nichols Institute San Juan Capistrano
Classification: Benign. Last evaluated: 2023-05-09. Review status: criteria provided, single submitter. Criteria: Quest Diagnostics criteria. Collection method: clinical testing. Allele origin: unknown. Not counted in ClinVar's aggregate classification.

Myriad Genetics, Inc.
Classification: Likely benign for Hereditary diffuse gastric adenocarcinoma. Last evaluated: 2023-03-07. Review status: criteria provided, single submitter. Criteria: Myriad Autosomal Dominant, Autosomal Recessive and X-Linked Classification Criteria (2023). Collection method: clinical testing. Allele origin: unknown. Not counted in ClinVar's aggregate classification.
Comment: This variant is considered likely benign. Homozygosity has been confirmed in one or more individuals. As homozygosity for pathogenic variants in this gene is generally assumed to result in embryonic lethality, this variant is unlikely to be pathogenic.

European Reference Network on Genetic Tumour Risk Syndromes (ERN-GENTURIS), i3s - Instituto de Investigação e Inovação em Saúde, University of Porto
Classification: Uncertain significance for Hereditary diffuse gastric adenocarcinoma. Last evaluated: 2022-08-01. Review status: criteria provided, single submitter. Criteria: Lee et al. (Hum Mutat. 2018). Collection method: clinical testing. Allele origin: germline. Inheritance: Autosomal dominant inheritance. Affected: no. Study: ERN GENTURIS. Not counted in ClinVar's aggregate classification.
Comment: Not applicable criteria (PMID: 30311375)

Department of Pathology and Laboratory Medicine, Sinai Health System
Classification: Uncertain significance for CDH1-related diffuse gastric and lobular breast cancer syndrome. Last evaluated: 2022-06-06. Review status: criteria provided, single submitter. Criteria: ACMG Guidelines, 2015. Collection method: clinical testing. Allele origin: germline. Affected: yes. Not counted in ClinVar's aggregate classification.

Sema4
Classification: Likely benign for Hereditary cancer-predisposing syndrome. Last evaluated: 2022-03-09. Review status: criteria provided, single submitter. Criteria: Sema4 Curation Guidelines. Collection method: curation. Allele origin: germline. Not counted in ClinVar's aggregate classification.

Ambry Genetics
Classification: Likely benign for Hereditary cancer-predisposing syndrome. Last evaluated: 2021-12-22. Review status: criteria provided, single submitter. Criteria: Ambry Variant Classification Scheme 2023. Collection method: clinical testing. Allele origin: germline. Not counted in ClinVar's aggregate classification.

GeneDx
Classification: Likely benign. Last evaluated: 2020-12-02. Review status: criteria provided, single submitter. Criteria: GeneDx Variant Classification Process June 2021. Collection method: clinical testing. Allele origin: germline. Affected: yes. Not counted in ClinVar's aggregate classification.
Comment: This variant is associated with the following publications: (PMID: 22152101, 26759166, 23575477, 20921021, 25980754, 26674224, 26182300, 26898890, 26911350, 25186627, 29470806, 30287823, 31159747)

Color Diagnostics, LLC DBA Color Health
Classification: Likely benign for Hereditary cancer-predisposing syndrome. Last evaluated: 2020-02-12. Review status: criteria provided, single submitter. Criteria: ACMG Guidelines, 2015. Collection method: clinical testing. Allele origin: germline. Not counted in ClinVar's aggregate classification.

Women's Health and Genetics/Laboratory Corporation of America, LabCorp
Classification: Likely benign. Last evaluated: 2019-03-28. Review status: criteria provided, single submitter. Criteria: LabCorp Variant Classification Summary - May 2015. Collection method: clinical testing. Allele origin: germline. Not counted in ClinVar's aggregate classification.
Comment: Variant summary: CDH1 c.1223C>T (p.Ala408Val) results in a non-conservative amino acid change located in a cadherin repeat (IPR002126) of the encoded protein sequence. Three of five in-silico tools predict a damaging effect of the variant on protein function. The variant allele was found at a frequency of 0.00015 in 324684 control chromosomes (gnomAD and publication data), predominantly at a frequency of 0.0011 within the South Asian subpopulation in the gnomAD database. The observed variant frequency within South Asian control individuals in the gnomAD database is approximately 40-folds higher than the estimated maximal expected allele frequency for a pathogenic variant in CDH1 causing Hereditary Diffuse Gastric Cancer phenotype (2.8e-05), strongly suggesting that the variant is a benign polymorphism found primarily in populations of South Asian origin. Though the variant, c.1223C>T, has been reported in the literature in individuals affected with Hereditary Diffuse Gastric Cancer, colorectal cancer, and breast cancer (Caminsky_2016, Luber_2011, Mannan_2016, Mu_2016, Ross_2013, Schrader_2010, Tung_2015, Yurgeuln_2015, Momozawa_2018), it was also found in healthy controls (Momozawa_2018). These reports do not provide unequivocal conclusions about association of the variant with Hereditary Diffuse Gastric Cancer. To our knowledge, no experimental evidence demonstrating an impact on protein function has been reported. Eight ClinVar submissions from clinical diagnostic laboratories (evaluation after 2014) cite the variant, six times as uncertain significance, and twice as likely benign. Based on the evidence outlined above, the variant was classified as likely benign.

GeneKor MSA
Classification: Uncertain significance for Hereditary cancer-predisposing syndrome. Last evaluated: 2018-08-01. Review status: criteria provided, single submitter. Criteria: ACMG Guidelines, 2015. Collection method: clinical testing. Allele origin: germline. Affected: yes. Not counted in ClinVar's aggregate classification.

Counsyl
Classification: Uncertain significance for Hereditary diffuse gastric adenocarcinoma. Last evaluated: 2016-01-06. Review status: no assertion criteria provided. Collection method: clinical testing. Allele origin: unknown. Not counted in ClinVar's aggregate classification.

Mayo Clinic Laboratories, Mayo Clinic
Classification: Uncertain significance. Review status: no assertion criteria provided. Collection method: clinical testing. Allele origin: unknown. Not counted in ClinVar's aggregate classification.

Literature cited by the submitters: PubMed 25186627 (cited by 5 submitters); PubMed 27720647 (cited by Quest Diagnostics Nichols Institute San Juan Capistrano and Women's Health and Genetics/Laboratory Corporation of America, LabCorp); PubMed 33471991 (cited by Quest Diagnostics Nichols Institute San Juan Capistrano and Sema4); PubMed 20921021 (cited by 6 submitters); PubMed 26674224 (cited by Quest Diagnostics Nichols Institute San Juan Capistrano and Counsyl); PubMed 26759166 (cited by Quest Diagnostics Nichols Institute San Juan Capistrano); PubMed 25980754 (cited by 5 submitters); PubMed 30287823 (cited by 3 submitters); PubMed 29470806 (cited by 3 submitters); PubMed 36436516 (cited by European Reference Network on Genetic Tumour Risk Syndromes (ERN-GENTURIS), i3s - Instituto de Investigação e Inovação em Saúde, University of Porto); PubMed 26898890 (cited by 4 submitters); PubMed 26911350 (cited by Department of Pathology and Laboratory Medicine, Sinai Health System and Women's Health and Genetics/Laboratory Corporation of America, LabCorp); PubMed 31159747 (cited by Sema4); PubMed 22152101 (cited by Ambry Genetics); PubMed 23575477 (cited by Ambry Genetics and Women's Health and Genetics/Laboratory Corporation of America, LabCorp); PubMed 26010451 (cited by Women's Health and Genetics/Laboratory Corporation of America, LabCorp).

NM_004360.5(CDH1):c.1223C>T (p.Ala408Val)

Gene: CDH1 (cadherin 1; plus strand). Cytogenetic location: 16q22.1.
Variant type: single nucleotide variant.
Coding change: c.1223C>T on transcript NM_004360.5 (MANE Select); coding-DNA position 1223, C replaced by T.
Protein change: p.Ala408Val; replaces alanine 408 with valine.
Molecular consequence: missense variant. On other transcripts: 5 prime UTR variant (2), intron variant (1).
Genome position (GRCh38, 1-based): chr16:68,813,398, C>T. VCF-style: chr16-68813398-C-T. GRCh37 (hg19) VCF-style: chr16-68847301-C-T.
Other names: p.A408V:GCG>GTG; NM_004360.5(CDH1):c.1223C>T; c.-393C>T (NM_001317185.2); c.-597C>T (NM_001317186.2); c.1137+1135C>T (NM_001317184.2); short protein forms A408V.
Identifiers: ClinVar variation 127908 (VCV000127908.42), dbSNP rs138135866, ClinGen allele CA288022.